The following is an entry in ClinVar:

NM_032043.3(BRIP1):c.2761T>A (p.Tyr921Asn)

Gene: BRIP1 (BRCA1 interacting DNA helicase 1; minus strand). Cytogenetic location: 17q23.2.
Variant type: single nucleotide variant.
Coding change: c.2761T>A on transcript NM_032043.3 (MANE Select); coding-DNA position 2761, T replaced by A.
Protein change: p.Tyr921Asn; replaces tyrosine 921 with asparagine.
Molecular consequence: missense variant.
Genome position (GRCh38, 1-based): chr17:61,685,980, A>T on the plus strand (T>A on the coding strand, the complement: BRIP1 is on the minus strand). VCF-style: chr17-61685980-A-T. GRCh37 (hg19) VCF-style: chr17-59763341-A-T.
Other names: short protein forms Y921N.
Identifiers: ClinVar variation 1425399 (VCV001425399.7), dbSNP rs2144112225, ClinGen allele CA400481589.

ClinVar aggregate classification (germline): Uncertain significance (1 of 4 stars; one submission).

Conditions:
Familial cancer of breast. Also called: BREAST CANCER, FAMILIAL; hereditary breast carcinoma; Hereditary breast cancer. Identifiers: Orphanet 227535, MedGen C0346153, MONDO:0016419, OMIM 114480. Disease mechanism: loss of function.
Fanconi anemia complementation group J. Also called: BRIP1-Related Fanconi Anemia. Identifiers: Orphanet 84, MedGen C1836860, MONDO:0012187, OMIM 609054.

Submission:

Labcorp Genetics (formerly Invitae), Labcorp
Classification: Uncertain significance for Familial cancer of breast; Fanconi anemia complementation group J. Last evaluated: 2023-05-18. Review status: criteria provided, single submitter. Criteria: Invitae Variant Classification Sherloc (09022015). Collection method: clinical testing. Allele origin: germline.
Comment: This sequence change replaces tyrosine, which is neutral and polar, with asparagine, which is neutral and polar, at codon 921 of the BRIP1 protein (p.Tyr921Asn). This variant is not present in population databases (gnomAD no frequency). This variant has not been reported in the literature in individuals affected with BRIP1-related conditions. ClinVar contains an entry for this variant (Variation ID: 1425399). Advanced modeling of protein sequence and biophysical properties (such as structural, functional, and spatial information, amino acid conservation, physicochemical variation, residue mobility, and thermodynamic stability) performed at Invitae indicates that this missense variant is not expected to disrupt BRIP1 protein function. In summary, the available evidence is currently insufficient to determine the role of this variant in disease. Therefore, it has been classified as a Variant of Uncertain Significance.